The following is an entry in ClinVar:

NM_000179.3(MSH6):c.3647-6T>C

Genes: FBXO11 (F-box protein 11; minus strand), MSH6 (mutS homolog 6; plus strand). Cytogenetic location: 2p16.3.
Variant type: single nucleotide variant.
Coding change: c.3647-6T>C on transcript NM_000179.3 (MANE Select); 6 bases into the intron before coding-DNA position 3647, T replaced by C.
Molecular consequence: intron variant.
Genome position (GRCh38, 1-based): chr2:47,806,198, T>C. VCF-style: chr2-47806198-T-C. GRCh37 (hg19) VCF-style: chr2-48033337-T-C.
Other names: p.?; c.2741-6T>C (NM_001281493.2, NM_001281494.2); c.3257-6T>C (NM_001281492.2).
Identifiers: ClinVar variation 371875 (VCV000371875.34), dbSNP rs182871847, ClinGen allele CA071766.

ClinVar aggregate classification (germline): Benign/Likely benign. Review status: criteria provided, multiple submitters, no conflicts (2 of 4 stars). 13 submissions from 13 submitters: Benign (5); Likely benign (6). 2 of the submissions do not count toward it. Last evaluated 2026-05-01.

Conditions:
Lynch syndrome 5 (LYNCH5). Also called: Hereditary non-polyposis colorectal cancer, type 5; Colorectal cancer, hereditary nonpolyposis, type 5. Identifiers: Orphanet 144, MedGen C1833477, MONDO:0013710, OMIM 614350. Disease mechanism: loss of function.
Intellectual developmental disorder with dysmorphic facies and behavioral abnormalities. Identifiers: MedGen C4748135, MONDO:0060760, OMIM 618089.
Malignant tumor of breast. Also called: Malignant breast neoplasm; Cancer breast. Identifiers: MedGen C0006142, MONDO:0007254. Disease mechanism: loss of function.
MSH6-related disorder. Also called: MSH6-related condition; MSH6-Related disorders.
Hereditary nonpolyposis colorectal neoplasms. Identifiers: MedGen C0009405, MeSH D003123.
Hereditary cancer-predisposing syndrome. Also called: Hereditary neoplastic syndrome; Neoplastic Syndromes, Hereditary; Hereditary Cancer Syndrome; Tumor predisposition. Identifiers: Orphanet 140162, MedGen C0027672, MeSH D009386, MONDO:0015356.

Allele frequency attached by ClinVar (database versions not stated): TOPMed 0.00001; 1000 Genomes Project 30x 0.00062; 1000 Genomes Project 0.00080.
gnomAD v4.1: 115 of 1,613,736 alleles (0.0071%); highest among the groups gnomAD compares: South Asian, 0.1%; 1 homozygote.

Submissions (13):

PreventionGenetics, part of Exact Sciences
Classification: Likely benign for MSH6-related condition. Last evaluated: 2026-05-01. Review status: criteria provided, single submitter. Criteria: ACMG Guidelines, 2015. Collection method: clinical testing. Allele origin: germline.
Comment: This variant is classified as likely benign based on ACMG/AMP sequence variant interpretation guidelines (Richards et al. 2015 PMID: 25741868, with internal and published modifications).

Labcorp Genetics (formerly Invitae), Labcorp
Classification: Benign for Hereditary nonpolyposis colorectal neoplasms. Last evaluated: 2026-01-13. Review status: criteria provided, single submitter. Criteria: Invitae Variant Classification Sherloc (09022015). Collection method: clinical testing. Allele origin: germline.

Mayo Clinic Laboratories, Mayo Clinic
Classification: Likely benign. Last evaluated: 2025-12-11. Review status: criteria provided, single submitter. Criteria: ACMG Guidelines, 2015. Collection method: clinical testing. Allele origin: germline. Observed: 1 variant allele.
Comment: BS1, BP4

KCCC/NGS Laboratory, Kuwait Cancer Control Center
Classification: Benign for Intellectual developmental disorder with dysmorphic facies and behavioral abnormalities. Last evaluated: 2025-02-01. Review status: criteria provided, single submitter. Criteria: ACMG Guidelines, 2015. Collection method: clinical testing. Allele origin: germline. Affected: no.

Quest Diagnostics Nichols Institute San Juan Capistrano
Classification: Benign. Last evaluated: 2024-12-18. Review status: criteria provided, single submitter. Criteria: Quest Diagnostics criteria. Collection method: clinical testing. Allele origin: unknown.

Blueprint Genetics
Classification: Likely benign. Last evaluated: 2024-01-08. Review status: criteria provided, single submitter. Criteria: ACMG Guidelines, 2015. Collection method: clinical testing. Allele origin: germline.

Myriad Genetics, Inc.
Classification: Likely benign for Lynch syndrome 5. Last evaluated: 2023-03-27. Review status: criteria provided, single submitter. Criteria: Myriad Autosomal Dominant, Autosomal Recessive and X-Linked Classification Criteria (2023). Collection method: clinical testing. Allele origin: unknown.
Comment: This variant is considered likely benign. This variant is intronic and is not expected to impact mRNA splicing.

Women's Health and Genetics/Laboratory Corporation of America, LabCorp
Classification: Benign. Last evaluated: 2018-12-04. Review status: criteria provided, single submitter. Criteria: LabCorp Variant Classification Summary - May 2015. Collection method: clinical testing. Allele origin: germline.
Comment: Variant summary: MSH6 c.3647-6T>C alters a non-conserved nucleotide located close to a canonical splice site and therefore could affect mRNA splicing, leading to a significantly altered protein sequence. 5/5 computational tools predict no significant impact on normal splicing. However, these predictions have yet to be confirmed by functional studies. The variant allele was found at a frequency of 0.00013 in 245942 control chromosomes, predominantly at a frequency of 0.00091 within the South Asian subpopulation in the gnomAD database, including 1 homozygotes. The observed variant frequency within South Asian control individuals in the gnomAD database is approximately 6 fold of the estimated maximal expected allele frequency for a pathogenic variant in MSH6 causing Lynch Syndrome phenotype (0.00014), strongly suggesting that the variant is a benign polymorphism found primarily in populations of South Asian origin. To our knowledge, no occurrence of c.3647-6T>C in individuals affected with Lynch Syndrome and no experimental evidence demonstrating its impact on protein function have been reported. Three clinical diagnostic laboratories have submitted clinical-significance assessments for this variant to ClinVar after 2014 without evidence for independent evaluation. All laboratories classified the variant as benign/likely benign. Based on the evidence outlined above, the variant was classified as benign.

Color Diagnostics, LLC DBA Color Health
Classification: Likely benign for Hereditary cancer-predisposing syndrome. Last evaluated: 2015-11-25. Review status: criteria provided, single submitter. Criteria: ACMG Guidelines, 2015. Collection method: clinical testing. Allele origin: germline.

Ambry Genetics
Classification: Likely benign for Hereditary cancer-predisposing syndrome. Last evaluated: 2015-07-23. Review status: criteria provided, single submitter. Criteria: Ambry Variant Classification Scheme 2023. Collection method: clinical testing. Allele origin: germline.

GeneDx
Classification: Benign. Last evaluated: 2015-03-03. Review status: criteria provided, single submitter. Criteria: GeneDx Variant Classification Process June 2021. Collection method: clinical testing. Allele origin: germline. Affected: yes.

Counsyl
Classification: Likely benign for Lynch syndrome 5. Last evaluated: 2016-07-11. Review status: no assertion criteria provided. Collection method: clinical testing. Allele origin: unknown. Not counted in ClinVar's aggregate classification.

Department of Pathology and Laboratory Medicine, Sinai Health System
Classification: Likely benign for Malignant tumor of breast. Review status: no assertion criteria provided. Collection method: clinical testing. Allele origin: unknown. Affected: yes. Observed: 1 variant allele. Study: The Canadian Open Genetics Repository (COGR). Not counted in ClinVar's aggregate classification.
Comment: The MSH6 c.3647-6T>C variant was not identified in the literature nor was it identified in the COGR, Cosmic, MutDB, UMD-LSDB, Zhejiang Colon Cancer Database, Mismatch Repair Genes Variant Database, Insight Hereditary Tumors Database, databases. The variant was also identified in dbSNP (ID: rs182871847) as â€šÃ„ÃºWith Likely benign, other alleleâ€šÃ„Ã¹, ClinVar (classified benign by Invitae and likely benign by Counsyl and Color Genomics Inc.), Clinvitae (2x), and in control databases in 31 of 245942 chromosomes (1 homozygous) at a frequency of 0.0003 (Genome Aggregation Database Feb 27, 2017). It was observed in the following populations: Other in 1 of 5462 chromosomes (freq: 0.0002), Latino in 1 of 33526 chromosomes (freq: 0.00003), European Non-Finnish in 1 of 111496 chromosomes (freq: 0.000009), and South Asian in 28 (1 homozygous) of 30780 chromosomes (freq: 0.0009); it was not observed in the African, Ashkenazi Jewish, East Asian, and European Finnish populations. In addition, 1 of 5 in silico or computational prediction software programs (SpliceSiteFinder, MaxEntScan, NNSPLICE, GeneSplicer, HumanSpliceFinder) predicted a >10% difference in splicing. In summary, based on the above information this variant meets our laboratory's criteria to be classified as likely benign.